The following is an entry in ClinVar:

NM_001083962.2(TCF4):c.1729G>C (p.Glu577Gln)

Gene: TCF4 (transcription factor 4; minus strand). Cytogenetic location: 18q21.2.
Variant type: single nucleotide variant.
Coding change: c.1729G>C on transcript NM_001083962.2 (MANE Select); coding-DNA position 1729, G replaced by C.
Protein change: p.Glu577Gln; replaces glutamic acid 577 with glutamine.
Molecular consequence: missense variant.
Genome position (GRCh38, 1-based): chr18:55,228,997, C>G on the plus strand (G>C on the coding strand, the complement: TCF4 is on the minus strand). VCF-style: chr18-55228997-C-G. GRCh37 (hg19) VCF-style: chr18-52896228-C-G.
Other names: c.1642G>C, p.Glu548Gln (NM_001348220.1, NM_001369584.1, NM_001369585.1); c.1729G>C, p.Glu577Gln (NM_001369567.1, NM_001369568.1); c.1726G>C, p.Glu576Gln (NM_001369569.1, NM_001369570.1, NM_001330604.3); c.1249G>C, p.Glu417Gln (NM_001348216.2, NM_001243234.2); c.1657G>C, p.Glu553Gln (NM_001348217.1, NM_001348218.2, NM_001243227.2 and 1 more transcripts); c.1645G>C, p.Glu549Gln (NM_001348219.2, NM_001369582.1, NM_001369583.1 and 1 more transcripts); c.1717G>C, p.Glu573Gln (NM_001369571.1, NM_003199.3, NM_001369572.1); c.1654G>C, p.Glu552Gln (NM_001369581.1, NM_001369576.1, NM_001369577.1 and 3 more transcripts); and 14 more; short protein forms E361Q, E412Q, E413Q, E417Q, E443Q, E447Q, E502Q, E506Q.
Identifiers: ClinVar variation 4531220 (VCV004531220.1).

ClinVar aggregate classification (germline): Likely pathogenic (1 of 4 stars; one submission).

Conditions:
Pitt-Hopkins syndrome (PTHS). Also called: ENCEPHALOPATHY, SEVERE EPILEPTIC, WITH AUTONOMIC DYSFUNCTION; MENTAL RETARDATION, SYNDROMAL, WITH INTERMITTENT HYPERVENTILATION. Identifiers: Orphanet 2896, MedGen C1970431, MONDO:0012589, OMIM 610954.

Submission:

Juno Genomics, Hangzhou Juno Genomics, Inc
Classification: Likely pathogenic for Pitt-Hopkins syndrome. Review status: criteria provided, single submitter. Criteria: ACMG Guidelines, 2015. Collection method: clinical testing. Allele origin: germline. Affected: yes.
Comment: Absent from controls (or at extremely low frequency if recessive) in Genome Aggregation Database, Exome Sequencing Project, 1000 Genomes Project, or Exome Aggregation Consortium.;Located in a mutational hot spot and/or critical and well-established functional domain (e.g. active site of an enzyme) without benign variation.;De novo (both maternity and paternity confirmed) in a patient with the disease and no family history.;Multiple lines of computational evidence support a deleterious effect on the gene or gene product (conservation, evolutionary, splicing impact, etc).